The following is an entry in ClinVar:

ClinVar aggregate classification (germline): Pathogenic (1 of 4 stars; one submission).

Submission:

Labcorp Genetics (formerly Invitae), Labcorp
Classification: Pathogenic. Last evaluated: 2025-04-11. Review status: criteria provided, single submitter. Criteria: Invitae Variant Classification Sherloc (09022015). Collection method: clinical testing. Allele origin: germline.
Comment: This sequence change creates a premature translational stop signal (p.Asn434Lysfs*105) in the KIF11 gene. It is expected to result in an absent or disrupted protein product. Loss-of-function variants in KIF11 are known to be pathogenic (PMID: 22284827, 24281367). This variant is not present in population databases (gnomAD no frequency). This variant has not been reported in the literature in individuals affected with KIF11-related conditions. For these reasons, this variant has been classified as Pathogenic.

Literature cited by the submitters: PubMed 22284827; PubMed 24281367.

NM_004523.4(KIF11):c.1302del (p.Asn434fs)

Gene: KIF11 (kinesin family member 11; plus strand). Cytogenetic location: 10q23.33.
Variant type: Deletion.
Coding change: c.1302del on transcript NM_004523.4 (MANE Select); coding-DNA position 1302, one base deleted (T; older notation c.1302delT).
Protein change: p.Asn434fs; shifts the reading frame from asparagine 434.
Molecular consequence: frameshift variant.
Genome position (GRCh38, 1-based): chr10:92,628,892, T deleted. VCF-style (leftmost placement, unchanged base first): chr10-92628891-AT-A. GRCh37 (hg19) VCF-style: chr10-94388648-AT-A.
Other names: short protein forms N434fs.
Identifiers: ClinVar variation 4717295 (VCV004717295.1).